The following is an entry in ClinVar:

ClinVar aggregate classification (germline): Pathogenic (1 of 4 stars; one submission).

Conditions:
Alstrom syndrome (ALMS). Identifiers: Orphanet 64, MedGen C0268425, MONDO:0008763, OMIM 203800.

Submission:

Labcorp Genetics (formerly Invitae), Labcorp
Classification: Pathogenic for Alstrom syndrome. Last evaluated: 2022-11-23. Review status: criteria provided, single submitter. Criteria: Invitae Variant Classification Sherloc (09022015). Collection method: clinical testing. Allele origin: germline.
Comment: For these reasons, this variant has been classified as Pathogenic. This variant has not been reported in the literature in individuals affected with ALMS1-related conditions. This variant is not present in population databases (gnomAD no frequency). This sequence change creates a premature translational stop signal (p.Glu833*) in the ALMS1 gene. It is expected to result in an absent or disrupted protein product. Loss-of-function variants in ALMS1 are known to be pathogenic (PMID: 17594715).

Literature cited by the submitters: PubMed 17594715.

NM_001378454.1(ALMS1):c.2494G>T (p.Glu832Ter)

Gene: ALMS1 (ALMS1 centrosome and basal body associated protein; plus strand). Cytogenetic location: 2p13.1.
Variant type: single nucleotide variant.
Coding change: c.2494G>T on transcript NM_001378454.1 (MANE Select); coding-DNA position 2494, G replaced by T.
Protein change: p.Glu832Ter; replaces glutamic acid 832 with a stop codon.
Molecular consequence: nonsense.
Genome position (GRCh38, 1-based): chr2:73,449,021, G>T. VCF-style: chr2-73449021-G-T. GRCh37 (hg19) VCF-style: chr2-73676148-G-T.
Other names: c.2497G>T, p.Glu833Ter (NM_015120.4); short protein forms E832*, E833*.
Identifiers: ClinVar variation 2815979 (VCV002815979.4), dbSNP rs373979607, ClinGen allele CA347270295.